The following is an entry in ClinVar:

ClinVar aggregate classification (germline): Likely benign. Review status: criteria provided, multiple submitters, no conflicts (2 of 4 stars). 3 submissions from 3 submitters: Likely benign (3). Last evaluated 2025-05-19.

Conditions:
Tuberous sclerosis 2 (TSC2). Identifiers: Orphanet 805, MedGen C1860707, MONDO:0013199, OMIM 613254.

Allele frequency attached by ClinVar (database versions not stated): gnomAD exomes below 0.00001.
gnomAD v4.1: 2 of 1,614,006 alleles (0.00012%); highest among the groups gnomAD compares: East Asian, 0.0022%; no homozygotes.

Submissions (3):

Myriad Genetics, Inc.
Classification: Likely benign for Tuberous sclerosis 2. Last evaluated: 2025-05-19. Review status: criteria provided, single submitter. Criteria: Myriad Autosomal Dominant, Autosomal Recessive and X-Linked Classification Criteria (2023). Collection method: clinical testing. Allele origin: unknown.
Comment: This variant is considered likely benign. This variant is intronic and is not expected to impact mRNA splicing.

Labcorp Genetics (formerly Invitae), Labcorp
Classification: Likely benign for Tuberous sclerosis 2. Last evaluated: 2025-04-30. Review status: criteria provided, single submitter. Criteria: Invitae Variant Classification Sherloc (09022015). Collection method: clinical testing. Allele origin: germline.

Blueprint Genetics
Classification: Likely benign. Last evaluated: 2024-04-10. Review status: criteria provided, single submitter. Criteria: ACMG Guidelines, 2015. Collection method: clinical testing. Allele origin: germline.

NM_000548.5(TSC2):c.2098-8C>T

Gene: TSC2 (TSC complex subunit 2; plus strand). Cytogenetic location: 16p13.3.
Variant type: single nucleotide variant.
Coding change: c.2098-8C>T on transcript NM_000548.5 (MANE Select); 8 bases into the intron before coding-DNA position 2098, C replaced by T.
Molecular consequence: intron variant.
Genome position (GRCh38, 1-based): chr16:2,072,233, C>T. VCF-style: chr16-2072233-C-T. GRCh37 (hg19) VCF-style: chr16-2122234-C-T.
Other names: c.2098-8C>T (NM_001114382.3, NM_021055.3, NM_001370405.1 and 3 more transcripts); c.1987-8C>T (NM_001318827.2); c.1498-8C>T (NM_001318831.2); c.1951-8C>T (NM_001318829.2); c.2131-8C>T (NM_001318832.2).
Identifiers: ClinVar variation 1130115 (VCV001130115.11), dbSNP rs1468788322, ClinGen allele CA620704875.